The following is an entry in ClinVar:

ClinVar aggregate classification (germline): Uncertain significance (1 of 4 stars; one submission).

Conditions:
Inborn genetic diseases. Identifiers: MedGen C0950123, MeSH D030342.

gnomAD v4.1: 1 of 1,613,484 alleles (0.000062%); highest among the groups gnomAD compares: Non-Finnish European, 0.000085%; no homozygotes.

Submission:

Ambry Genetics
Classification: Uncertain significance for Inborn genetic diseases. Last evaluated: 2023-09-28. Review status: criteria provided, single submitter. Criteria: Ambry Variant Classification Scheme 2023. Collection method: clinical testing. Allele origin: germline.
Comment: The p.D436Y variant (also known as c.1306G>T), located in coding exon 9 of the CDH2 gene, results from a G to T substitution at nucleotide position 1306. The aspartic acid at codon 436 is replaced by tyrosine, an amino acid with highly dissimilar properties. This amino acid position is conserved. In addition, this alteration is predicted to be deleterious by in silico analysis. Since supporting evidence is limited at this time, the clinical significance of this alteration remains unclear.

NM_001792.5(CDH2):c.1306G>T (p.Asp436Tyr)

Gene: CDH2 (cadherin 2; minus strand). Cytogenetic location: 18q12.1.
Variant type: single nucleotide variant.
Coding change: c.1306G>T on transcript NM_001792.5 (MANE Select); coding-DNA position 1306, G replaced by T.
Protein change: p.Asp436Tyr; replaces aspartic acid 436 with tyrosine.
Molecular consequence: missense variant.
Genome position (GRCh38, 1-based): chr18:27,992,693, C>A on the plus strand (G>T on the coding strand, the complement: CDH2 is on the minus strand). VCF-style: chr18-27992693-C-A. GRCh37 (hg19) VCF-style: chr18-25572657-C-A.
Other names: c.1213G>T, p.Asp405Tyr (NM_001308176.2); short protein forms D436Y, D405Y.
Identifiers: ClinVar variation 3221780 (VCV003221780.1), dbSNP rs142861371, ClinGen allele CA402109757.